The following is an entry in ClinVar:

NM_000271.5(NPC1):c.2286_2289del (p.Phe763fs)

Gene: NPC1 (NPC intracellular cholesterol transporter 1; minus strand). Cytogenetic location: 18q11.2.
Variant type: Deletion.
Coding change: c.2286_2289del on transcript NM_000271.5 (MANE Select); coding-DNA positions 2286 to 2289, 4 bases deleted (CTTT; older notation c.2286_2289delCTTT).
Protein change: p.Phe763fs; shifts the reading frame from phenylalanine 763.
Molecular consequence: frameshift variant.
Genome position (GRCh38, 1-based): chr18:23,541,390-23,541,393, AAAG deleted on the plus strand (CTTT on the coding strand, the reverse complement: NPC1 is on the minus strand); deleting any 4 consecutive bases within chr18:23,541,390-23,541,394 gives the same sequence; the c. name uses the placement nearest the transcript's 3' end. VCF-style (leftmost placement, unchanged base first): chr18-23541389-CAAAG-C. GRCh37 (hg19) VCF-style: chr18-21121353-CAAAG-C.
Other names: short protein forms F763fs.
Identifiers: ClinVar variation 2817164 (VCV002817164.4), dbSNP rs2511222768, ClinGen allele CA2739268609.

ClinVar aggregate classification (germline): Pathogenic. Review status: criteria provided, multiple submitters, no conflicts (2 of 4 stars). 2 submissions from 2 submitters: Pathogenic (2). Last evaluated 2025-03-30.

Conditions:
Niemann-Pick disease, type C1. Also called: NEUROVISCERAL STORAGE DISEASE WITH VERTICAL SUPRANUCLEAR OPHTHALMOPLEGIA; NIEMANN-PICK DISEASE WITH CHOLESTEROL ESTERIFICATION BLOCK; NIEMANN-PICK DISEASE WITHOUT SPHINGOMYELINASE DEFICIENCY; NIEMANN-PICK DISEASE, CHRONIC NEURONOPATHIC FORM; NIEMANN-PICK DISEASE, VARIANT TYPE C1. Identifiers: Orphanet 646, MedGen C3179455, MONDO:0009757, OMIM 257220.

Submissions (2):

Myriad Genetics, Inc.
Classification: Pathogenic for Niemann-Pick disease, type C1. Last evaluated: 2025-03-30. Review status: criteria provided, single submitter. Criteria: Myriad Autosomal Dominant, Autosomal Recessive and X-Linked Classification Criteria (2023). Collection method: clinical testing. Allele origin: unknown.
Comment: NM_000271.4(NPC1):c.2286_2289delCTTT(F763Rfs*17) is expected to be pathogenic in the context of Niemann-Pick disease type C1. This variant is predicted to lead to an abnormal or absent protein product due to the creation of a premature termination codon in NPC1, a gene where loss-of-function variants are known to be pathogenic. Please note: this variant was assessed in the context of healthy population screening.

Labcorp Genetics (formerly Invitae), Labcorp
Classification: Pathogenic for Niemann-Pick disease, type C1. Last evaluated: 2023-08-04. Review status: criteria provided, single submitter. Criteria: Invitae Variant Classification Sherloc (09022015). Collection method: clinical testing. Allele origin: germline.
Comment: This sequence change creates a premature translational stop signal (p.Phe763Argfs*17) in the NPC1 gene. It is expected to result in an absent or disrupted protein product. Loss-of-function variants in NPC1 are known to be pathogenic (PMID: 9211850). This variant is not present in population databases (gnomAD no frequency). This variant has not been reported in the literature in individuals affected with NPC1-related conditions. For these reasons, this variant has been classified as Pathogenic.

Literature cited by the submitters: PubMed 9211850 (cited by Labcorp Genetics (formerly Invitae), Labcorp).